The following is an entry in ClinVar:

NM_020778.5(ALPK3):c.407C>T (p.Thr136Ile)

Gene: ALPK3 (alpha kinase 3; plus strand). Cytogenetic location: 15q25.3.
Variant type: single nucleotide variant.
Coding change: c.407C>T on transcript NM_020778.5 (MANE Select); coding-DNA position 407, C replaced by T.
Protein change: p.Thr136Ile; replaces threonine 136 with isoleucine.
Molecular consequence: missense variant.
Genome position (GRCh38, 1-based): chr15:84,839,082, C>T. VCF-style: chr15-84839082-C-T. GRCh37 (hg19) VCF-style: chr15-85382313-C-T.
Other names: short protein forms T338I, T136I.
Identifiers: ClinVar variation 389853 (VCV000389853.18), dbSNP rs56015306, ClinGen allele CA7708958.

ClinVar aggregate classification (germline): Benign/Likely benign. Review status: criteria provided, multiple submitters, no conflicts (2 of 4 stars). 5 submissions from 5 submitters: Benign (1); Likely benign (3). 1 of the submissions does not count toward it. Last evaluated 2025-12-23.

Conditions:
Cardiovascular phenotype. Identifiers: MedGen CN230736.
ALPK3-related disorder. Also called: ALPK3-related condition.

Allele frequency attached by ClinVar (database versions not stated): gnomAD 0.00020 and 0.00028; gnomAD exomes 0.00021 and 0.00048; TOPMed 0.00042; ExAC 0.00053; 1000 Genomes Project 0.00120; 1000 Genomes Project 30x 0.00125.
gnomAD v4.1: 343 of 1,609,024 alleles (0.021%); highest among the groups gnomAD compares: East Asian, 0.72%; no homozygotes.

Submissions (5):

Labcorp Genetics (formerly Invitae), Labcorp
Classification: Benign. Last evaluated: 2025-12-23. Review status: criteria provided, single submitter. Criteria: Invitae Variant Classification Sherloc (09022015). Collection method: clinical testing. Allele origin: germline.

Blueprint Genetics
Classification: Likely benign. Last evaluated: 2024-08-22. Review status: criteria provided, single submitter. Criteria: ACMG Guidelines, 2015. Collection method: clinical testing. Allele origin: germline.

GeneDx
Classification: Likely benign. Last evaluated: 2020-12-03. Review status: criteria provided, single submitter. Criteria: GeneDx Variant Classification Process June 2021. Collection method: clinical testing. Allele origin: germline. Affected: yes.

Ambry Genetics
Classification: Likely benign for Cardiovascular phenotype. Last evaluated: 2019-09-25. Review status: criteria provided, single submitter. Criteria: Ambry Variant Classification Scheme 2023. Collection method: clinical testing. Allele origin: germline.

PreventionGenetics, part of Exact Sciences
Classification: Likely benign for ALPK3-related condition. Last evaluated: 2019-09-17. Review status: no assertion criteria provided. Collection method: clinical testing. Allele origin: germline. Not counted in ClinVar's aggregate classification.
Comment: This variant is classified as likely benign based on ACMG/AMP sequence variant interpretation guidelines (Richards et al. 2015 PMID: 25741868, with internal and published modifications).